The following is an entry in ClinVar:

ClinVar aggregate classification (germline): Conflicting classifications of pathogenicity. Review status: criteria provided, conflicting classifications (1 of 4 stars). 2 submissions from 2 submitters: Likely pathogenic (1); Uncertain significance (1). Last evaluated 2025-11-21.

Conditions:
Dilated cardiomyopathy 1DD (CMD1DD). Identifiers: Orphanet 154, MedGen C2750995, MONDO:0013168, OMIM 613172.
Cardiovascular phenotype. Identifiers: MedGen CN230736.

gnomAD v4.1: 1 of 1,498,246 alleles (0.000067%); no homozygotes.

Submissions (2):

Labcorp Genetics (formerly Invitae), Labcorp
Classification: Likely pathogenic for Dilated cardiomyopathy 1DD. Last evaluated: 2025-11-21. Review status: criteria provided, single submitter. Criteria: Invitae Variant Classification Sherloc (09022015). Collection method: clinical testing. Allele origin: germline.
Comment: This sequence change affects a donor splice site in intron 5 of the RBM20 gene. It is expected to disrupt RNA splicing. Variants that disrupt the donor or acceptor splice site typically lead to a loss of protein function (PMID: 16199547), and loss-of-function variants in RBM20 are known to be pathogenic (PMID: 20590677, 22004663, 38288598, 38510713, 40339755). This variant is not present in population databases (gnomAD no frequency). This variant has not been reported in the literature in individuals affected with RBM20-related conditions. ClinVar contains an entry for this variant (Variation ID: 1774534). Algorithms developed to predict the effect of sequence changes on RNA splicing suggest that this variant may disrupt the consensus splice site. In summary, the currently available evidence indicates that the variant is pathogenic, but additional data are needed to prove that conclusively. Therefore, this variant has been classified as Likely Pathogenic.

Ambry Genetics
Classification: Uncertain significance for Cardiovascular phenotype. Last evaluated: 2022-05-31. Review status: criteria provided, single submitter. Criteria: Ambry Variant Classification Scheme 2023. Collection method: clinical testing. Allele origin: germline.
Comment: The c.1527+1G>A intronic variant results from a G to A substitution one nucleotide after coding exon 5 of the RBM20 gene. In silico splice site analysis predicts that this alteration will weaken the native splice donor site. Alterations that disrupt the canonical splice site are expected to cause aberrant splicing, resulting in an abnormal protein or a transcript that is subject to nonsense-mediated mRNA decay. However, loss of function of RBM20 has not been clearly established as a mechanism of disease. Since supporting evidence is limited at this time, the clinical significance of this alteration remains unclear.

Literature cited by the submitters: PubMed 16199547 (cited by Labcorp Genetics (formerly Invitae), Labcorp); PubMed 20590677 (cited by Labcorp Genetics (formerly Invitae), Labcorp); PubMed 22004663 (cited by Labcorp Genetics (formerly Invitae), Labcorp); PubMed 38288598 (cited by Labcorp Genetics (formerly Invitae), Labcorp); PubMed 38510713 (cited by Labcorp Genetics (formerly Invitae), Labcorp); PubMed 40339755 (cited by Labcorp Genetics (formerly Invitae), Labcorp).

NM_001134363.3(RBM20):c.1527+1G>A

Gene: RBM20 (RNA binding motif protein 20; plus strand). Cytogenetic location: 10q25.2.
Variant type: single nucleotide variant.
Coding change: c.1527+1G>A on transcript NM_001134363.3 (MANE Select); the canonical splice donor site of the intron after coding-DNA position 1527, G replaced by A.
Molecular consequence: splice donor variant.
Genome position (GRCh38, 1-based): chr10:110,784,890, G>A. VCF-style: chr10-110784890-G-A. GRCh37 (hg19) VCF-style: chr10-112544648-G-A.
Identifiers: ClinVar variation 1774534 (VCV001774534.3), dbSNP rs2493422939, ClinGen allele CA378388564.